The following is an entry in ClinVar:

ClinVar aggregate classification (germline): Likely pathogenic (1 of 4 stars; one submission).

Conditions:
Hyperammonemia, type III (NAGSD). Also called: Hyperammonemia due to N-acetylglutamate synthase deficiency. Identifiers: Orphanet 927, MedGen C0268543, MONDO:0009377, OMIM 237310.

Submission:

Molecular Genetics Department, Kulakov National Medical Research Center for Obstetrics, Gynecology and Perinatology
Classification: Likely pathogenic for Hyperammonemia, type III. Review status: criteria provided, single submitter. Criteria: ACMG Guidelines, 2015. Collection method: clinical testing. Allele origin: germline. Affected: yes. Observed: 1 variant allele.
Comment: A previously undescribed heterozygous nucleotide variant creates a frameshift p.Gly21ProfsTer274 in the NAGS gene. Homozygous and compound heterozygous variants are reported in patients with n-acetylglutamate synthase deficiency, 237310. The variant is not present in population database (gnomAD no frequency). The variant was found with the variant NAGS NM_153006.3:c.839del (trans was not confirmed). In summary, the currently available evidence indicates that the variant is pathogenic, but additional data are needed to prove that conclusively. Therefore, this variant has been classified as likely pathogenic.

NM_153006.3(NAGS):c.60_61del (p.Gly21fs)

Gene: NAGS (N-acetylglutamate synthase; plus strand). Cytogenetic location: 17q21.31.
Variant type: Microsatellite.
Coding change: c.60_61del on transcript NM_153006.3 (MANE Select); coding-DNA positions 60 to 61, 2 bases deleted (AG; older notation c.60_61delAG).
Protein change: p.Gly21fs; shifts the reading frame from glycine 21.
Molecular consequence: frameshift variant.
Genome position (GRCh38, 1-based): chr17:44,004,723-44,004,724, AG deleted; deleting any 2 consecutive bases within chr17:44,004,720-44,004,724 gives the same sequence; the c. name uses the placement nearest the transcript's 3' end. VCF-style (leftmost placement, unchanged base first): chr17-44004719-TGA-T. GRCh37 (hg19) VCF-style: chr17-42082087-TGA-T.
Other names: short protein forms G21fs.
Identifiers: ClinVar variation 4294520 (VCV004294520.1).